The following is an entry in ClinVar:

NM_000123.4(ERCC5):c.2162C>T (p.Ala721Val)

Genes: BIVM-ERCC5 (BIVM-ERCC5 readthrough; plus strand), ERCC5 (ERCC excision repair 5, endonuclease; plus strand), LOC126861834 (BRD4-independent group 4 enhancer GRCh37_chr13:103518038-103519237; plus strand). Cytogenetic location: 13q33.1.
Variant type: single nucleotide variant.
Coding change: c.2162C>T on transcript NM_000123.4 (MANE Select); coding-DNA position 2162, C replaced by T.
Protein change: p.Ala721Val; replaces alanine 721 with valine.
Molecular consequence: missense variant.
Genome position (GRCh38, 1-based): chr13:102,865,874, C>T. VCF-style: chr13-102865874-C-T. GRCh37 (hg19) VCF-style: chr13-103518224-C-T.
Other names: c.3524C>T, p.Ala1175Val (NM_001204425.2); short protein forms A1175V, A721V.
Identifiers: ClinVar variation 1310807 (VCV001310807.2), dbSNP rs376753356, ClinGen allele CA7041538.
Genomic context (GRCh38, chr13:102,865,874, plus strand): 5'-TGAGGGACAACTCTGAGAGGGACGACGTGGATGGTGAGCCACAGGAAGCTGAGAAAGATG[C>T]GGAAGATTCGCTCCATGAATGGCAAGATATTAATTTGGTAATACCGTAACATTGTGTTTC-3'
Protein context (NP_000114.3, residues 711-731): DGEPQEAEKD[Ala721Val]EDSLHEWQDI

ClinVar aggregate classification (germline): Uncertain significance (1 of 4 stars; one submission).

Allele frequency attached by ClinVar (database versions not stated): ExAC 0.00002; gnomAD exomes 0.00002; ESP Exome Variant Server 0.00008.
gnomAD v4.1: 22 of 1,614,170 alleles (0.0014%); highest among the groups gnomAD compares: East Asian, 0.0045%; no homozygotes.

Submission:

GeneDx
Classification: Uncertain significance. Last evaluated: 2019-12-09. Review status: criteria provided, single submitter. Criteria: GeneDx Variant Classification Process June 2021. Collection method: clinical testing. Allele origin: germline. Affected: yes.
Comment: In silico analysis, which includes protein predictors and evolutionary conservation, supports that this variant does not alter protein structure/function; Has not been previously published as pathogenic or benign to our knowledge